The following is an entry in ClinVar:

ClinVar aggregate classification (germline): Uncertain significance (1 of 4 stars; one submission).

Allele frequency attached by ClinVar (database versions not stated): ExAC 0.00001; gnomAD exomes 0.00001; TOPMed 0.00001.
gnomAD v4.1: 8 of 1,613,862 alleles (0.0005%); highest among the groups gnomAD compares: Non-Finnish European, 0.00068%; no homozygotes.

Submission:

Labcorp Genetics (formerly Invitae), Labcorp
Classification: Uncertain significance. Last evaluated: 2024-05-22. Review status: criteria provided, single submitter. Criteria: Invitae Variant Classification Sherloc (09022015). Collection method: clinical testing. Allele origin: germline.
Comment: This sequence change replaces asparagine, which is neutral and polar, with threonine, which is neutral and polar, at codon 737 of the EMC1 protein (p.Asn737Thr). This variant is present in population databases (rs759757150, gnomAD 0.0009%). This variant has not been reported in the literature in individuals affected with EMC1-related conditions. Advanced modeling of protein sequence and biophysical properties (such as structural, functional, and spatial information, amino acid conservation, physicochemical variation, residue mobility, and thermodynamic stability) performed at Invitae indicates that this missense variant is expected to disrupt EMC1 protein function with a positive predictive value of 80%. In summary, the available evidence is currently insufficient to determine the role of this variant in disease. Therefore, it has been classified as a Variant of Uncertain Significance.

NM_015047.3(EMC1):c.2210A>C (p.Asn737Thr)

Genes: EMC1 (ER membrane protein complex subunit 1; minus strand), EMC1-AS1 (EMC1 antisense RNA 1; plus strand). Cytogenetic location: 1p36.13.
Variant type: single nucleotide variant.
Coding change: c.2210A>C on transcript NM_015047.3 (MANE Select); coding-DNA position 2210, A replaced by C.
Protein change: p.Asn737Thr; replaces asparagine 737 with threonine.
Molecular consequence: missense variant.
Genome position (GRCh38, 1-based): chr1:19,223,562, T>G on the plus strand (A>C on the coding strand, the complement: EMC1 is on the minus strand). VCF-style: chr1-19223562-T-G. GRCh37 (hg19) VCF-style: chr1-19550056-T-G.
Other names: c.2207A>C, p.Asn736Thr (NM_001271427.2, NM_001271428.2); c.2144A>C, p.Asn715Thr (NM_001271429.2); c.2219A>C, p.Asn740Thr (NM_001375820.1); c.2216A>C, p.Asn739Thr (NM_001375821.1); short protein forms N715T, N740T, N737T, N736T, N739T.
Identifiers: ClinVar variation 2966881 (VCV002966881.3), dbSNP rs759757150, ClinGen allele CA652347.